The following is an entry in ClinVar:

NM_001903.5(CTNNA1):c.2527T>C (p.Tyr843His)

Gene: CTNNA1 (catenin alpha 1; plus strand). Cytogenetic location: 5q31.2.
Variant type: single nucleotide variant.
Coding change: c.2527T>C on transcript NM_001903.5 (MANE Select); coding-DNA position 2527, T replaced by C.
Protein change: p.Tyr843His; replaces tyrosine 843 with histidine.
Molecular consequence: missense variant. On other transcripts: 3 prime UTR variant (5).
Genome position (GRCh38, 1-based): chr5:138,933,895, T>C. VCF-style: chr5-138933895-T-C. GRCh37 (hg19) VCF-style: chr5-138269584-T-C.
Other names: c.*72T>C (NM_001290307.3, NM_001324002.1, NM_001324003.1 and 2 more transcripts); c.2218T>C, p.Tyr740His (NM_001290309.3); c.2158T>C, p.Tyr720His (NM_001290310.3); c.1417T>C, p.Tyr473His (NM_001290312.1, NM_001323987.1, NM_001323988.1 and 12 more transcripts); c.2527T>C, p.Tyr843His (NM_001323982.2, NM_001323983.1, NM_001323984.2); c.2500T>C, p.Tyr834His (NM_001323985.2); c.2434T>C, p.Tyr812His (NM_001323986.2); c.1282T>C, p.Tyr428His (NM_001324001.1); and 3 more; short protein forms Y392H, Y442H, Y473H, Y812H, Y428H, Y720H, Y740H, Y843H.
Identifiers: ClinVar variation 1792610 (VCV001792610.4), dbSNP rs1189986841, ClinGen allele CA361135344.

ClinVar aggregate classification (germline): Uncertain significance. Review status: criteria provided, multiple submitters, no conflicts (2 of 4 stars). 2 submissions from 2 submitters: Uncertain significance (2). Last evaluated 2024-09-09.

Conditions:
Hereditary cancer-predisposing syndrome. Also called: Hereditary Cancer Syndrome; Hereditary neoplastic syndrome; Tumor predisposition; Neoplastic Syndromes, Hereditary. Identifiers: Orphanet 140162, MedGen C0027672, MeSH D009386, MONDO:0015356.

Allele frequency attached by ClinVar (database versions not stated): gnomAD exomes below 0.00001; TOPMed below 0.00001.
gnomAD v4.1: 1 of 1,614,140 alleles (0.000062%); highest among the groups gnomAD compares: African/African-American, 0.0013%; no homozygotes.

Submissions (2):

Labcorp Genetics (formerly Invitae), Labcorp
Classification: Uncertain significance. Last evaluated: 2024-09-09. Review status: criteria provided, single submitter. Criteria: Invitae Variant Classification Sherloc (09022015). Collection method: clinical testing. Allele origin: germline.
Comment: This sequence change replaces tyrosine, which is neutral and polar, with histidine, which is basic and polar, at codon 843 of the CTNNA1 protein (p.Tyr843His). This variant is present in population databases (no rsID available, gnomAD 0.007%). This variant has not been reported in the literature in individuals affected with CTNNA1-related conditions. ClinVar contains an entry for this variant (Variation ID: 1792610). Invitae Evidence Modeling of protein sequence and biophysical properties (such as structural, functional, and spatial information, amino acid conservation, physicochemical variation, residue mobility, and thermodynamic stability) indicates that this missense variant is not expected to disrupt CTNNA1 protein function with a negative predictive value of 80%. In summary, the available evidence is currently insufficient to determine the role of this variant in disease. Therefore, it has been classified as a Variant of Uncertain Significance.

Ambry Genetics
Classification: Uncertain significance for Hereditary cancer-predisposing syndrome. Last evaluated: 2024-01-30. Review status: criteria provided, single submitter. Criteria: Ambry Variant Classification Scheme 2023. Collection method: clinical testing. Allele origin: germline.
Comment: The p.Y843H variant (also known as c.2527T>C), located in coding exon 17 of the CTNNA1 gene, results from a T to C substitution at nucleotide position 2527. The tyrosine at codon 843 is replaced by histidine, an amino acid with similar properties. This amino acid position is conserved. In addition, the in silico prediction for this alteration is inconclusive. Since supporting evidence is limited at this time, the clinical significance of this alteration remains unclear.